The following is an entry in ClinVar:

ClinVar aggregate classification (germline): Pathogenic. Review status: criteria provided, multiple submitters, no conflicts (2 of 4 stars). 3 submissions from 3 submitters: Pathogenic (3). Last evaluated 2026-04-07.

Conditions:
COL1A1-related disorder. Also called: COL1A1- related disease; COL1A1-related condition.
Osteogenesis imperfecta type I (OI1). Also called: OI, TYPE I; OSTEOGENESIS IMPERFECTA TARDA; OSTEOGENESIS IMPERFECTA WITH BLUE SCLERAE; Classic Non-deforming Osteogenesis Imperfecta with Blue Sclerae; Osteogenesis imperfecta type 1; Lobstein's Disease. Identifiers: Orphanet 216796, Orphanet 666, MedGen C0023931, MONDO:0008146, OMIM 166200. Disease mechanism: loss of function.

Submissions (3):

Clinical Genetics and Genomics, Karolinska University Hospital
Classification: Pathogenic for Osteogenesis imperfecta type I. Last evaluated: 2026-04-07. Review status: criteria provided, single submitter. Criteria: ACMG Guidelines, 2015. Collection method: clinical testing. Allele origin: unknown. Affected: yes.
Comment: This variant disrupts the start codon and is expected to lead to a loss of protein function (PMID: 16199547), and loss-of-function variants in COL1A1 are known to be pathogenic (PMID: 7942841, 9295084, 9443882). This variant is not present in population databases (gnomAD no frequency).

Labcorp Genetics (formerly Invitae), Labcorp
Classification: Pathogenic for Osteogenesis imperfecta type I. Last evaluated: 2025-03-18. Review status: criteria provided, single submitter. Criteria: Invitae Variant Classification Sherloc (09022015). Collection method: clinical testing. Allele origin: germline.
Comment: This sequence change affects the initiator methionine of the COL1A1 mRNA. The next in-frame methionine is located at codon 181. This variant is not present in population databases (gnomAD no frequency). Disruption of the initiator codon has been observed in individuals with osteogenesis imperfecta type 1 (PMID: 23529829). It has also been observed to segregate with disease in related individuals. ClinVar contains an entry for this variant (Variation ID: 579238). For these reasons, this variant has been classified as Pathogenic.

Blueprint Genetics
Classification: Pathogenic for COL1A1-related disorders. Last evaluated: 2021-06-08. Review status: criteria provided, single submitter. Criteria: ACMG Guidelines, 2015. Collection method: clinical testing. Allele origin: germline. Affected: yes. Observed: 1 variant allele.

Literature cited by the submitters: PubMed 23529829 (cited by Labcorp Genetics (formerly Invitae), Labcorp).

NM_000088.4(COL1A1):c.2T>C (p.Met1Thr)

Gene: COL1A1 (collagen type I alpha 1 chain; minus strand). Cytogenetic location: 17q21.33.
Variant type: single nucleotide variant.
Coding change: c.2T>C on transcript NM_000088.4 (MANE Select); coding-DNA position 2, T replaced by C.
Protein change: p.Met1Thr; changes the start codon (methionine 1).
Molecular consequence: missense variant, initiator codon variant.
Genome position (GRCh38, 1-based): chr17:50,201,512, A>G on the plus strand (T>C on the coding strand, the complement: COL1A1 is on the minus strand). VCF-style: chr17-50201512-A-G. GRCh37 (hg19) VCF-style: chr17-48278873-A-G.
Other names: short protein forms M1T.
Identifiers: ClinVar variation 579238 (VCV000579238.12), dbSNP rs1567766338, ClinGen allele CA400230607.
Genomic context (GRCh38, chr17:50,201,512, plus strand): 5'-TGCGTCAGGAGGGCGGTGGCCGCTAAGAGGAGCAGGAGCCGGAGGTCCACAAAGCTGAAC[A>G]TGTCTAGACCCTAGACATGTAGACTCTTTGTGGCTGGGGAGGGGGTTAGCGTCCGCTCAT-3'
Protein context (NP_000079.2, residues 1-11): [Met1Thr]FSFVDLRLLL